The following is an entry in ClinVar:

NM_003628.6(PKP4):c.2203G>A (p.Asp735Asn)

Genes: PKP4 (plakophilin 4; plus strand), PKP4-AS1 (PKP4 antisense RNA 1; minus strand). Cytogenetic location: 2q24.1.
Variant type: single nucleotide variant.
Coding change: c.2203G>A on transcript NM_003628.6 (MANE Select); coding-DNA position 2203, G replaced by A.
Protein change: p.Asp735Asn; replaces aspartic acid 735 with asparagine.
Molecular consequence: missense variant. On other transcripts: non-coding transcript variant (1).
Genome position (GRCh38, 1-based): chr2:158,661,442, G>A. VCF-style: chr2-158661442-G-A. GRCh37 (hg19) VCF-style: chr2-159517954-G-A.
Other names: c.2203G>A, p.Asp735Asn (NM_001005476.4, NM_001304971.2, NM_001377218.1 and 1 more transcripts); c.2200G>A, p.Asp734Asn (NM_001304969.3, NM_001377219.1, NM_001377220.1 and 2 more transcripts); c.1174G>A, p.Asp392Asn (NM_001304970.3); c.2197G>A, p.Asp733Asn (NM_001377222.1, NM_001377223.1); c.2194G>A, p.Asp732Asn (NM_001377224.1); short protein forms D392N, D734N, D732N, D733N, D735N.
Identifiers: ClinVar variation 1787665 (VCV001787665.3), dbSNP rs200371674, ClinGen allele CA1920910.

ClinVar aggregate classification (germline): Uncertain significance (1 of 4 stars; one submission).

Allele frequency attached by ClinVar (database versions not stated): TOPMed 0.00005; 1000 Genomes Project 30x 0.00016; 1000 Genomes Project 0.00020; gnomAD 0.00054; ExAC 0.00060.
gnomAD v4.1: 487 of 1,606,968 alleles (0.03%); highest among the groups gnomAD compares: Non-Finnish European, 0.0054%; 2 homozygotes.

Submission:

Ambry Genetics
Classification: Uncertain significance. Last evaluated: 2025-01-10. Review status: criteria provided, single submitter. Criteria: Ambry Variant Classification Scheme 2023. Collection method: clinical testing. Allele origin: germline.
Comment: The p.D735N variant (also known as c.2203G>A), located in coding exon 12 of the PKP4 gene, results from a G to A substitution at nucleotide position 2203. The aspartic acid at codon 735 is replaced by asparagine, an amino acid with highly similar properties. This amino acid position is conserved. In addition, the in silico prediction for this alteration is inconclusive. Since supporting evidence is limited at this time, the clinical significance of this alteration remains unclear.